The following is an entry in ClinVar:

NM_001041.4(SI):c.887dup (p.Leu296fs)

Gene: SI (sucrase-isomaltase; minus strand). Cytogenetic location: 3q26.1.
Variant type: Duplication.
Coding change: c.887dup on transcript NM_001041.4 (MANE Select); coding-DNA position 887, one base duplicated (T; older notation c.887dupT).
Protein change: p.Leu296fs; shifts the reading frame from leucine 296.
Molecular consequence: frameshift variant.
Genome position (GRCh38, 1-based): chr3:165,063,462, A duplicated on the plus strand (T on the coding strand, the reverse complement: SI is on the minus strand); the first of 7 consecutive A bases (chr3:165,063,462-165,063,468); duplicating any one gives the same sequence. VCF-style (leftmost placement, unchanged base first): chr3-165063461-T-TA. GRCh37 (hg19) VCF-style: chr3-164781249-T-TA.
Other names: short protein forms L296fs.
Identifiers: ClinVar variation 1452198 (VCV001452198.6), dbSNP rs769103567, ClinGen allele CA2691275.

ClinVar aggregate classification (germline): Pathogenic (1 of 4 stars; one submission).

Submission:

Labcorp Genetics (formerly Invitae), Labcorp
Classification: Pathogenic. Last evaluated: 2022-06-20. Review status: criteria provided, single submitter. Criteria: Invitae Variant Classification Sherloc (09022015). Collection method: clinical testing. Allele origin: germline.
Comment: This variant is present in population databases (rs769103567, gnomAD 0.03%). For these reasons, this variant has been classified as Pathogenic. This variant has not been reported in the literature in individuals affected with SI-related conditions. This sequence change creates a premature translational stop signal (p.Leu296Phefs*4) in the SI gene. It is expected to result in an absent or disrupted protein product. Loss-of-function variants in SI are known to be pathogenic (PMID: 16329100, 23103650, 25452324).

Literature cited by the submitters: PubMed 16329100; PubMed 23103650; PubMed 25452324.